The following is an entry in ClinVar:

NM_001352754.2(ARMC9):c.2432C>A (p.Pro811Gln)

Gene: ARMC9 (armadillo repeat containing 9; plus strand). Cytogenetic location: 2q37.1.
Variant type: single nucleotide variant.
Coding change: c.2432C>A on transcript NM_001352754.2 (MANE Select); coding-DNA position 2432, C replaced by A.
Protein change: p.Pro811Gln; replaces proline 811 with glutamine.
Molecular consequence: missense variant.
Genome position (GRCh38, 1-based): chr2:231,370,123, C>A. VCF-style: chr2-231370123-C-A. GRCh37 (hg19) VCF-style: chr2-232234834-C-A.
Other names: c.2432C>A, p.Pro811Gln (NM_001271466.4); short protein forms P811Q.
Identifiers: ClinVar variation 1361951 (VCV001361951.3), dbSNP rs564939247, ClinGen allele CA2160612.

ClinVar aggregate classification (germline): Uncertain significance (1 of 4 stars; one submission).

Allele frequency attached by ClinVar (database versions not stated): ExAC 0.00037; 1000 Genomes Project 0.00040; 1000 Genomes Project 30x 0.00047.

Submission:

Labcorp Genetics (formerly Invitae), Labcorp
Classification: Uncertain significance. Last evaluated: 2022-09-27. Review status: criteria provided, single submitter. Criteria: Invitae Variant Classification Sherloc (09022015). Collection method: clinical testing. Allele origin: germline.
Comment: This sequence change replaces proline, which is neutral and non-polar, with glutamine, which is neutral and polar, at codon 811 of the ARMC9 protein (p.Pro811Gln). This variant is present in population databases (rs564939247, gnomAD 0.05%). This variant has not been reported in the literature in individuals affected with ARMC9-related conditions. ClinVar contains an entry for this variant (Variation ID: 1361951). Experimental studies and prediction algorithms are not available or were not evaluated, and the functional significance of this variant is currently unknown. In summary, the available evidence is currently insufficient to determine the role of this variant in disease. Therefore, it has been classified as a Variant of Uncertain Significance.